The following is an entry in ClinVar:

ClinVar aggregate classification (germline): Uncertain significance (1 of 4 stars; one submission).

Submission:

Labcorp Genetics (formerly Invitae), Labcorp
Classification: Uncertain significance. Last evaluated: 2021-06-19. Review status: criteria provided, single submitter. Criteria: Invitae Variant Classification Sherloc (09022015). Collection method: clinical testing. Allele origin: germline.
Comment: In summary, the available evidence is currently insufficient to determine the role of this variant in disease. Therefore, it has been classified as a Variant of Uncertain Significance. Advanced modeling of protein sequence and biophysical properties (such as structural, functional, and spatial information, amino acid conservation, physicochemical variation, residue mobility, and thermodynamic stability) performed at Invitae indicates that this missense variant is not expected to disrupt FAT4 protein function. This variant has not been reported in the literature in individuals with FAT4-related conditions. This variant is not present in population databases (ExAC no frequency). This sequence change replaces valine with isoleucine at codon 1897 of the FAT4 protein (p.Val1897Ile). The valine residue is highly conserved and there is a small physicochemical difference between valine and isoleucine.

NM_001291303.3(FAT4):c.5689G>A (p.Val1897Ile)

Gene: FAT4 (FAT atypical cadherin 4; plus strand). Cytogenetic location: 4q28.1.
Variant type: single nucleotide variant.
Coding change: c.5689G>A on transcript NM_001291303.3 (MANE Select); coding-DNA position 5689, G replaced by A.
Protein change: p.Val1897Ile; replaces valine 1897 with isoleucine.
Molecular consequence: missense variant.
Genome position (GRCh38, 1-based): chr4:125,408,563, G>A. VCF-style: chr4-125408563-G-A. GRCh37 (hg19) VCF-style: chr4-126329718-G-A.
Other names: c.5689G>A, p.Val1897Ile (NM_001291285.3, NM_024582.6); short protein forms V1897I.
Identifiers: ClinVar variation 1485266 (VCV001485266.8), dbSNP rs2126021166, ClinGen allele CA358123367.